The following is an entry in ClinVar:

ClinVar aggregate classification (germline): Uncertain significance (1 of 4 stars; one submission).

gnomAD v4.1: 2 of 1,613,520 alleles (0.00012%); highest among the groups gnomAD compares: East Asian, 0.0022%; no homozygotes.

Submission:

GeneDx
Classification: Uncertain significance. Last evaluated: 2023-07-07. Review status: criteria provided, single submitter. Criteria: GeneDx Variant Classification Process June 2021. Collection method: clinical testing. Allele origin: germline. Affected: yes.
Comment: Not observed at significant frequency in large population cohorts (gnomAD); In silico analysis supports that this missense variant has a deleterious effect on protein structure/function; Has not been previously published as pathogenic or benign to our knowledge

NM_130837.3(OPA1):c.1697G>A (p.Ser566Asn)

Gene: OPA1 (OPA1 mitochondrial dynamin like GTPase; plus strand). Cytogenetic location: 3q29.
Variant type: single nucleotide variant.
Coding change: c.1697G>A on transcript NM_130837.3 (MANE Select); coding-DNA position 1697, G replaced by A.
Protein change: p.Ser566Asn; replaces serine 566 with asparagine.
Molecular consequence: missense variant.
Genome position (GRCh38, 1-based): chr3:193,645,743, G>A. VCF-style: chr3-193645743-G-A. GRCh37 (hg19) VCF-style: chr3-193363532-G-A.
Other names: c.1163G>A, p.Ser388Asn (NM_001354663.2); c.1160G>A, p.Ser387Asn (NM_001354664.2); c.1532G>A, p.Ser511Asn (NM_015560.3); c.1424G>A, p.Ser475Asn (NM_130831.3); c.1478G>A, p.Ser493Asn (NM_130832.3); c.1535G>A, p.Ser512Asn (NM_130833.3); c.1586G>A, p.Ser529Asn (NM_130834.3); c.1589G>A, p.Ser530Asn (NM_130835.3); and 1 more; short protein forms S475N, S493N, S511N, S512N, S529N, S530N, S548N, S566N.
Identifiers: ClinVar variation 3360806 (VCV003360806.1).